The following is an entry in ClinVar:

NM_012233.3(RAB3GAP1):c.2825G>C (p.Arg942Pro)

Gene: RAB3GAP1 (RAB3 GTPase activating protein catalytic subunit 1; plus strand). Cytogenetic location: 2q21.3.
Variant type: single nucleotide variant.
Coding change: c.2825G>C on transcript NM_012233.3 (MANE Select); coding-DNA position 2825, G replaced by C.
Protein change: p.Arg942Pro; replaces arginine 942 with proline.
Molecular consequence: missense variant.
Genome position (GRCh38, 1-based): chr2:135,168,660, G>C. VCF-style: chr2-135168660-G-C. GRCh37 (hg19) VCF-style: chr2-135926230-G-C.
Other names: c.2846G>C, p.Arg949Pro (NM_001172435.2); short protein forms R942P, R949P.
Identifiers: ClinVar variation 4854267 (VCV004854267.1).

ClinVar aggregate classification (germline): Uncertain significance (1 of 4 stars; one submission).

Conditions:
RAB3GAP1-related disorder. Also called: RAB3GAP1-related condition; RAB3GAP1-related disorders.

gnomAD v4.1: 8 of 1,614,176 alleles (0.0005%); highest among the groups gnomAD compares: Non-Finnish European, 0.00068%; no homozygotes.

Submission:

3billion
Classification: Uncertain significance for RAB3GAP1-related disorder. Last evaluated: 2025-09-17. Review status: criteria provided, single submitter. Criteria: ACMG Guidelines, 2015. Collection method: clinical testing. Allele origin: germline. Affected: yes.
Comment: The variant is observed at an extremely low frequency in the gnomAD v4.1.0 dataset (total allele frequency: <0.001%). Predicted Consequence/Location: Missense variant. The majority of the known disease-causing variants of this gene are variants expected to result in premature termination of the protein. In silico tool predictions suggest damaging effect of the variant on gene or gene product [REVEL: 0.81 (>=0.6, sensitivity 0.68 and specificity 0.92)]. Different missense changes at the same codon have been reported as of uncertain significance (ClinVar ID: VCV001385993, VCV002203096). Therefore, this variant is classified as VUS according to the recommendation of ACMG/AMP guideline.